The following is an entry in ClinVar:

NM_000199.5(SGSH):c.896C>T (p.Pro299Leu)

Gene: SGSH (N-sulfoglucosamine sulfohydrolase; minus strand). Cytogenetic location: 17q25.3.
Variant type: single nucleotide variant.
Coding change: c.896C>T on transcript NM_000199.5 (MANE Select); coding-DNA position 896, C replaced by T.
Protein change: p.Pro299Leu; replaces proline 299 with leucine.
Molecular consequence: missense variant. On other transcripts: non-coding transcript variant (1).
Genome position (GRCh38, 1-based): chr17:80,212,124, G>A on the plus strand (C>T on the coding strand, the complement: SGSH is on the minus strand). VCF-style: chr17-80212124-G-A. GRCh37 (hg19) VCF-style: chr17-78185923-G-A.
Other names: c.896C>T, p.Pro299Leu (NM_001352921.3, NM_001352922.2); c.896C>T (NM_000199.3); short protein forms P299L.
Identifiers: ClinVar variation 1382831 (VCV001382831.5), dbSNP rs776306411, ClinGen allele CA8817758.

ClinVar aggregate classification (germline): Uncertain significance. Review status: criteria provided, multiple submitters, no conflicts (2 of 4 stars). 3 submissions from 3 submitters: Uncertain significance (3). Last evaluated 2025-12-11.

Conditions:
Mucopolysaccharidosis, MPS-III-A (MPS3A). Also called: Mucopolysaccharidosis, type IIIA; mucopolysaccharidosis type 3A; MPS IIIA (Sanfilippo Syndrome Type A); HEPARAN SULFATE SULFATASE DEFICIENCY; Mucopolysaccharidosis type IIIA (Sanfilippo A); SANFILIPPO SYNDROME A. Identifiers: Orphanet 581, Orphanet 79269, MedGen C0086647, MONDO:0009655, OMIM 252900.
Inborn genetic diseases. Identifiers: MedGen C0950123, MeSH D030342.

Allele frequency attached by ClinVar (database versions not stated): gnomAD exomes 0.00001 and 0.00002; gnomAD 0.00001; TOPMed 0.00003; ExAC 0.00003.
gnomAD v4.1: 16 of 1,613,446 alleles (0.00099%); highest among the groups gnomAD compares: South Asian, 0.0055%; no homozygotes.

Submissions (3):

Ambry Genetics
Classification: Uncertain significance for Inborn genetic diseases. Last evaluated: 2025-12-11. Review status: criteria provided, single submitter. Criteria: Ambry Variant Classification Scheme 2023. Collection method: clinical testing. Allele origin: germline.

Labcorp Genetics (formerly Invitae), Labcorp
Classification: Uncertain significance for Mucopolysaccharidosis, MPS-III-A. Last evaluated: 2024-10-29. Review status: criteria provided, single submitter. Criteria: Invitae Variant Classification Sherloc (09022015). Collection method: clinical testing. Allele origin: germline.
Comment: This sequence change replaces proline, which is neutral and non-polar, with leucine, which is neutral and non-polar, at codon 299 of the SGSH protein (p.Pro299Leu). This variant is present in population databases (rs776306411, gnomAD 0.009%). This variant has not been reported in the literature in individuals affected with SGSH-related conditions. ClinVar contains an entry for this variant (Variation ID: 1382831). Invitae Evidence Modeling of protein sequence and biophysical properties (such as structural, functional, and spatial information, amino acid conservation, physicochemical variation, residue mobility, and thermodynamic stability) indicates that this missense variant is expected to disrupt SGSH protein function with a positive predictive value of 95%. In summary, the available evidence is currently insufficient to determine the role of this variant in disease. Therefore, it has been classified as a Variant of Uncertain Significance.

GeneDx
Classification: Uncertain significance. Last evaluated: 2023-05-14. Review status: criteria provided, single submitter. Criteria: GeneDx Variant Classification Process June 2021. Collection method: clinical testing. Allele origin: germline. Affected: yes.
Comment: In silico analysis supports that this missense variant has a deleterious effect on protein structure/function; Not observed at significant frequency in large population cohorts (gnomAD); Has not been previously published as pathogenic or benign to our knowledge